The following is an entry in ClinVar:

NM_004994.3(MMP9):c.80C>T (p.Thr27Ile)

Gene: MMP9 (matrix metallopeptidase 9; plus strand). Cytogenetic location: 20q13.12.
Variant type: single nucleotide variant.
Coding change: c.80C>T on transcript NM_004994.3 (MANE Select); coding-DNA position 80, C replaced by T.
Protein change: p.Thr27Ile; replaces threonine 27 with isoleucine.
Molecular consequence: missense variant.
Genome position (GRCh38, 1-based): chr20:46,009,006, C>T. VCF-style: chr20-46009006-C-T. GRCh37 (hg19) VCF-style: chr20-44637645-C-T.
Other names: short protein forms T27I.
Identifiers: ClinVar variation 1301672 (VCV001301672.8), dbSNP rs201841087, ClinGen allele CA9886312.

ClinVar aggregate classification (germline): Uncertain significance. Review status: criteria provided, multiple submitters, no conflicts (2 of 4 stars). 2 submissions from 2 submitters: Uncertain significance (2). Last evaluated 2022-11-28.

Conditions:
Metaphyseal anadysplasia 2 (MANDP2). Also called: Metaphyseal anadysplasia 2, autosomal recessive. Identifiers: Orphanet 1040, MedGen C2751322, MONDO:0013113, OMIM 613073.

Allele frequency attached by ClinVar (database versions not stated): TOPMed below 0.00001; ExAC 0.00001; gnomAD exomes 0.00001 and 0.00002; gnomAD 0.00002; 1000 Genomes Project 30x 0.00016; 1000 Genomes Project 0.00020.
gnomAD v4.1: 29 of 1,614,014 alleles (0.0018%); highest among the groups gnomAD compares: Middle Eastern, 0.033%; no homozygotes.

Submissions (2):

Labcorp Genetics (formerly Invitae), Labcorp
Classification: Uncertain significance. Last evaluated: 2022-11-28. Review status: criteria provided, single submitter. Criteria: Invitae Variant Classification Sherloc (09022015). Collection method: clinical testing. Allele origin: germline.
Comment: In summary, the available evidence is currently insufficient to determine the role of this variant in disease. Therefore, it has been classified as a Variant of Uncertain Significance. Advanced modeling of protein sequence and biophysical properties (such as structural, functional, and spatial information, amino acid conservation, physicochemical variation, residue mobility, and thermodynamic stability) performed at Invitae indicates that this missense variant is not expected to disrupt MMP9 protein function. ClinVar contains an entry for this variant (Variation ID: 1301672). This variant has not been reported in the literature in individuals affected with MMP9-related conditions. This variant is present in population databases (rs201841087, gnomAD 0.007%). This sequence change replaces threonine, which is neutral and polar, with isoleucine, which is neutral and non-polar, at codon 27 of the MMP9 protein (p.Thr27Ile).

Dubai Health Genomic Medicine Center, Dubai Health
Classification: Uncertain significance for Metaphyseal anadysplasia 2. Last evaluated: 2020-03-19. Review status: criteria provided, single submitter. Criteria: ACMG Guidelines, 2015. Collection method: clinical testing. Allele origin: germline. Affected: yes.